The following is an entry in ClinVar:

NM_003384.3(VRK1):c.1068+3G>A

Gene: VRK1 (VRK serine/threonine kinase 1; plus strand). Cytogenetic location: 14q32.2.
Variant type: single nucleotide variant.
Coding change: c.1068+3G>A on transcript NM_003384.3 (MANE Select); 3 bases into the intron after coding-DNA position 1068, G replaced by A.
Molecular consequence: intron variant.
Genome position (GRCh38, 1-based): chr14:96,860,738, G>A. VCF-style: chr14-96860738-G-A. GRCh37 (hg19) VCF-style: chr14-97327075-G-A.
Identifiers: ClinVar variation 2331109 (VCV002331109.2), dbSNP rs2504210570, ClinGen allele CA2580089070.

ClinVar aggregate classification (germline): Uncertain significance (1 of 4 stars; one submission).

Conditions:
Inborn genetic diseases. Identifiers: MedGen C0950123, MeSH D030342.

Submission:

Ambry Genetics
Classification: Uncertain significance for Inborn genetic diseases. Last evaluated: 2022-12-15. Review status: criteria provided, single submitter. Criteria: Ambry Variant Classification Scheme 2023. Collection method: clinical testing. Allele origin: germline.
Comment: The c.1068+3G>A intronic alteration consists of a G to A substitution nucleotides after coding exon 10 in the VRK1 gene. Based on insufficient or conflicting evidence, the clinical significance of this alteration remains unclear.